The following is an entry in ClinVar:

NM_019032.6(ADAMTSL4):c.3208C>T (p.Pro1070Ser)

Gene: ADAMTSL4 (ADAMTS like 4; plus strand). Cytogenetic location: 1q21.2.
Variant type: single nucleotide variant.
Coding change: c.3208C>T on transcript NM_019032.6 (MANE Select); coding-DNA position 3208, C replaced by T.
Protein change: p.Pro1070Ser; replaces proline 1070 with serine.
Molecular consequence: missense variant.
Genome position (GRCh38, 1-based): chr1:150,560,179, C>T. VCF-style: chr1-150560179-C-T. GRCh37 (hg19) VCF-style: chr1-150532655-C-T.
Other names: c.3091C>T, p.Pro1031Ser (NM_001288607.2); c.3277C>T, p.Pro1093Ser (NM_001288608.2); c.3208C>T, p.Pro1070Ser (NM_001378596.1); short protein forms P1031S, P1093S, P1070S.
Identifiers: ClinVar variation 3492890 (VCV003492890.2).

ClinVar aggregate classification (germline): Uncertain significance. Review status: criteria provided, multiple submitters, no conflicts (2 of 4 stars). 2 submissions from 2 submitters: Uncertain significance (2). Last evaluated 2024-11-14.

Conditions:
Inborn genetic diseases. Identifiers: MedGen C0950123, MeSH D030342.

Submissions (2):

Labcorp Genetics (formerly Invitae), Labcorp
Classification: Uncertain significance. Last evaluated: 2024-11-14. Review status: criteria provided, single submitter. Criteria: Invitae Variant Classification Sherloc (09022015). Collection method: clinical testing. Allele origin: germline.
Comment: This sequence change replaces proline, which is neutral and non-polar, with serine, which is neutral and polar, at codon 1070 of the ADAMTSL4 protein (p.Pro1070Ser). This variant is present in population databases (rs587638800, gnomAD 0.003%). This variant has not been reported in the literature in individuals affected with ADAMTSL4-related conditions. Invitae Evidence Modeling of protein sequence and biophysical properties (such as structural, functional, and spatial information, amino acid conservation, physicochemical variation, residue mobility, and thermodynamic stability) indicates that this missense variant is not expected to disrupt ADAMTSL4 protein function with a negative predictive value of 80%. In summary, the available evidence is currently insufficient to determine the role of this variant in disease. Therefore, it has been classified as a Variant of Uncertain Significance.

Ambry Genetics
Classification: Uncertain significance for Inborn genetic diseases. Last evaluated: 2024-09-11. Review status: criteria provided, single submitter. Criteria: Ambry Variant Classification Scheme 2023. Collection method: clinical testing. Allele origin: germline.